The following is an entry in ClinVar:

ClinVar aggregate classification (germline): Uncertain significance (1 of 4 stars; one submission).

Conditions:
Carney complex, type 1 (CNC1). Also called: CARNEY COMPLEX, TYPE I; CARNEY MYXOMA-ENDOCRINE COMPLEX. Identifiers: Orphanet 1359, MedGen C2607929, MONDO:0008057, OMIM 160980.

Submission:

Labcorp Genetics (formerly Invitae), Labcorp
Classification: Uncertain significance for Carney complex, type 1. Last evaluated: 2025-11-23. Review status: criteria provided, single submitter. Criteria: Invitae Variant Classification Sherloc (09022015). Collection method: clinical testing. Allele origin: germline.
Comment: This sequence change falls in intron 1 of the PRKAR1A gene. It does not directly change the encoded amino acid sequence of the PRKAR1A protein. It affects a nucleotide within the consensus splice site. This variant is present in population databases (no rsID available, gnomAD 0.01%). This variant has not been reported in the literature in individuals affected with PRKAR1A-related conditions. ClinVar contains an entry for this variant (Variation ID: 965629). Variants that disrupt the consensus splice site are a relatively common cause of aberrant splicing (PMID: 17576681, 9536098). RNA analysis performed to evaluate the impact of this variant on mRNA splicing indicates it does not significantly alter splicing (internal data). In summary, the available evidence is currently insufficient to determine the role of this variant in disease. Therefore, it has been classified as a Variant of Uncertain Significance.

Literature cited by the submitters: PubMed 17576681; PubMed 9536098.

NM_002734.5(PRKAR1A):c.-7+6_-7+31del

Gene: PRKAR1A (protein kinase cAMP-dependent type I regulatory subunit alpha; plus strand). Cytogenetic location: 17q24.2.
Variant type: Deletion.
Coding change: c.-7+6_-7+31del on transcript NM_002734.5 (MANE Select); bases 6 to 31 of the intron after 7 bases upstream of the start codon, 26 bases deleted (TGGGGTCGGCCGGGGGCTCAGGCGAG).
Molecular consequence: intron variant. On other transcripts: 5 prime UTR variant (1).
Genome position (GRCh38, 1-based): chr17:68,512,554-68,512,579, TGGGGTCGGCCGGGGGCTCAGGCGAG deleted; deleting any 26 consecutive bases within chr17:68,512,551-68,512,579 gives the same sequence; the c. name uses the placement nearest the transcript's 3' end. VCF-style (leftmost placement, unchanged base first): chr17-68512550-TGAGTGGGGTCGGCCGGGGGCTCAGGC-T. GRCh37 (hg19) VCF-style: chr17-66508691-TGAGTGGGGTCGGCCGGGGGCTCAGGC-T.
Other names: c.-32_-7del (NM_212472.2); c.-6-2840_-6-2815del (NM_001278433.2); c.-140+412_-140+437del (NM_001369389.1); c.-7+412_-7+437del (NM_212471.3); c.-140+6_-140+31del (NM_001276289.2).
Identifiers: ClinVar variation 965629 (VCV000965629.7), dbSNP rs1161571185, ClinGen allele CA627203496.